The following is an entry in ClinVar:

ClinVar aggregate classification (germline): Uncertain significance (1 of 4 stars; one submission).

Submission:

Labcorp Genetics (formerly Invitae), Labcorp
Classification: Uncertain significance. Last evaluated: 2024-12-02. Review status: criteria provided, single submitter. Criteria: Invitae Variant Classification Sherloc (09022015). Collection method: clinical testing. Allele origin: germline.
Comment: This variant results in the deletion of part of exon 13 (c.2215-1_2215delinsTT) of the MCPH1 gene. However, it is currently unclear if variants that occur in this region of the gene cause disease. Information on the frequency of this variant in the gnomAD database is not available, as this variant may be reported differently in the database. This variant has not been reported in the literature in individuals affected with MCPH1-related conditions. ClinVar contains an entry for this variant (Variation ID: 2105774). In summary, the available evidence is currently insufficient to determine the role of this variant in disease. Therefore, it has been classified as a Variant of Uncertain Significance.

NM_024596.5(MCPH1):c.2215-1_2215delinsTT

Genes: MCPH1 (microcephalin 1; plus strand), MCPH1-AS1 (MCPH1 antisense RNA 1; minus strand). Cytogenetic location: 8p23.1.
Variant type: Indel.
Coding change: c.2215-1_2215delinsTT on transcript NM_024596.5 (MANE Select); the canonical splice acceptor site of the intron before coding-DNA position 2215 through coding-DNA position 2215, GC replaced by TT.
Molecular consequence: splice acceptor variant. On other transcripts: non-coding transcript variant (1).
Genome position (GRCh38, 1-based): chr8:6,621,453-6,621,454, GC replaced by TT. VCF-style: chr8-6621453-GC-TT. GRCh37 (hg19) VCF-style: chr8-6478974-GC-TT.
Other names: c.2215-1_2215delinsTT (NM_001322042.2, NM_001363979.1); c.1936-1_1936delinsTT (NM_001363980.2).
Identifiers: ClinVar variation 2105774 (VCV002105774.4), dbSNP rs2488638459, ClinGen allele CA2580078842.